The following is an entry in ClinVar:

ClinVar aggregate classification (germline): Benign. Review status: criteria provided, multiple submitters, no conflicts (2 of 4 stars). 4 submissions from 4 submitters: Benign (3). 1 of the submissions does not count toward it. Last evaluated 2022-04-05.

Conditions:
Amyotrophic lateral sclerosis-parkinsonism-dementia complex. Also called: AMYOTROPHIC LATERAL SCLEROSIS-PARKINSONISM/DEMENTIA COMPLEX 1; GUAM DISEASE. Identifiers: Orphanet 90020, MedGen C0543859, MONDO:0007104, OMIM 105500.
TRPM7-related disorder. Also called: TRPM7-related condition.

Allele frequency attached by ClinVar (database versions not stated): gnomAD exomes 0.00218 and 0.00612; ExAC 0.00799; gnomAD 0.02408 and 0.02557; ESP Exome Variant Server 0.02607; TOPMed 0.02677; 1000 Genomes Project 0.03375; 1000 Genomes Project 30x 0.03467.
gnomAD v4.1: 6,828 of 1,520,372 alleles (0.45%); highest among the groups gnomAD compares: African/African-American, 8.3%; 254 homozygotes.

Submissions (4):

Fulgent Genetics
Classification: Benign for Amyotrophic lateral sclerosis-parkinsonism-dementia complex. Last evaluated: 2022-04-05. Review status: criteria provided, single submitter. Criteria: ACMG Guidelines, 2015. Collection method: clinical testing. Allele origin: unknown.

Labcorp Genetics (formerly Invitae), Labcorp
Classification: Benign. Last evaluated: 2019-12-31. Review status: criteria provided, single submitter. Criteria: Invitae Variant Classification Sherloc (09022015). Collection method: clinical testing. Allele origin: germline.

Breakthrough Genomics
Classification: Benign. Review status: criteria provided, single submitter. Criteria: ACMG Guidelines, 2015. Collection method: not provided. Allele origin: germline. Inheritance: Autosomal dominant inheritance. Affected: yes.

PreventionGenetics, part of Exact Sciences
Classification: Benign for TRPM7-related condition. Last evaluated: 2019-11-25. Review status: no assertion criteria provided. Collection method: clinical testing. Allele origin: germline. Not counted in ClinVar's aggregate classification.
Comment: This variant is classified as benign based on ACMG/AMP sequence variant interpretation guidelines (Richards et al. 2015 PMID: 25741868, with internal and published modifications).

NM_017672.6(TRPM7):c.1131+3A>G

Gene: TRPM7 (transient receptor potential cation channel subfamily M member 7; minus strand). Cytogenetic location: 15q21.2.
Variant type: single nucleotide variant.
Coding change: c.1131+3A>G on transcript NM_017672.6 (MANE Select); 3 bases into the intron after coding-DNA position 1131, A replaced by G.
Molecular consequence: intron variant.
Genome position (GRCh38, 1-based): chr15:50,632,866, T>C on the plus strand (A>G on the coding strand, the complement: TRPM7 is on the minus strand). VCF-style: chr15-50632866-T-C. GRCh37 (hg19) VCF-style: chr15-50925063-T-C.
Other names: c.1131+3A>G (NM_001301212.2).
Identifiers: ClinVar variation 776889 (VCV000776889.8), dbSNP rs79443717, ClinGen allele CA7557802.